The following is an entry in ClinVar:

NM_004360.5(CDH1):c.2030A>G (p.Gln677Arg)

Gene: CDH1 (cadherin 1; plus strand). Cytogenetic location: 16q22.1.
Variant type: single nucleotide variant.
Coding change: c.2030A>G on transcript NM_004360.5 (MANE Select); coding-DNA position 2030, A replaced by G.
Protein change: p.Gln677Arg; replaces glutamine 677 with arginine.
Molecular consequence: missense variant.
Genome position (GRCh38, 1-based): chr16:68,823,492, A>G. VCF-style: chr16-68823492-A-G. GRCh37 (hg19) VCF-style: chr16-68857395-A-G.
Other names: c.1847A>G, p.Gln616Arg (NM_001317184.2); c.482A>G, p.Gln161Arg (NM_001317185.2); c.65A>G, p.Gln22Arg (NM_001317186.2); short protein forms Q22R, Q616R, Q161R, Q677R.
Identifiers: ClinVar variation 4721836 (VCV004721836.1).

ClinVar aggregate classification (germline): Uncertain significance (1 of 4 stars; one submission).

Conditions:
Hereditary diffuse gastric adenocarcinoma (HDGC). Also called: DIFFUSE GASTRIC AND LOBULAR BREAST CANCER SYNDROME. Identifiers: Orphanet 26106, MedGen C1708349, MONDO:0007648, OMIM 137215.

Submission:

Labcorp Genetics (formerly Invitae), Labcorp
Classification: Uncertain significance for Hereditary diffuse gastric adenocarcinoma. Last evaluated: 2025-06-22. Review status: criteria provided, single submitter. Criteria: Invitae Variant Classification Sherloc (09022015). Collection method: clinical testing. Allele origin: germline.
Comment: This sequence change replaces glutamine, which is neutral and polar, with arginine, which is basic and polar, at codon 677 of the CDH1 protein (p.Gln677Arg). This variant is not present in population databases (gnomAD no frequency). This variant has not been reported in the literature in individuals affected with CDH1-related conditions. An algorithm developed to predict the effect of missense changes on protein structure and function (PolyPhen-2) suggests that this variant is likely to be disruptive. In summary, the available evidence is currently insufficient to determine the role of this variant in disease. Therefore, it has been classified as a Variant of Uncertain Significance.